The following is an entry in ClinVar:

NM_015272.5(RPGRIP1L):c.1260C>T (p.Leu420=)

Gene: RPGRIP1L (RPGRIP1 like; minus strand). Cytogenetic location: 16q12.2.
Variant type: single nucleotide variant.
Coding change: c.1260C>T on transcript NM_015272.5 (MANE Select); coding-DNA position 1260, C replaced by T.
Protein change: p.Leu420=; no amino-acid change (leucine 420 retained).
Molecular consequence: synonymous variant.
Genome position (GRCh38, 1-based): chr16:53,658,862, G>A on the plus strand (C>T on the coding strand, the complement: RPGRIP1L is on the minus strand). VCF-style: chr16-53658862-G-A. GRCh37 (hg19) VCF-style: chr16-53692774-G-A.
Other names: c.1260C>T (NM_015272.4); c.1260C>T, p.Leu420= (NM_001127897.4, NM_001308334.3, NM_001330538.2).
Identifiers: ClinVar variation 1600336 (VCV001600336.11), dbSNP rs760245904, ClinGen allele CA8057862.

ClinVar aggregate classification (germline): Benign/Likely benign. Review status: criteria provided, multiple submitters, no conflicts (2 of 4 stars). 3 submissions from 3 submitters: Benign (1); Likely benign (1). 1 of the submissions does not count toward it. Last evaluated 2025-09-15.

Conditions:
Joubert syndrome 7 (JBTS7). Identifiers: Orphanet 220497, MedGen C1969053, MONDO:0012694, OMIM 611560.
COACH syndrome 3. Identifiers: MedGen C5436841, MONDO:0030862, OMIM 619113.
Meckel syndrome, type 5 (MKS5). Identifiers: Orphanet 564, MedGen C1969052, MONDO:0012695, OMIM 611561.
RPGRIP1L-related disorder. Also called: RPGRIP1L-related disorders; RPGRIP1L-related condition. Identifiers: MedGen CN239416.
Joubert syndrome. Also called: JOUBERT-BOLTSHAUSER SYNDROME; Familial aplasia of the vermis. Identifiers: Orphanet 475, MedGen C5979921, MONDO:0018772.
Meckel-Gruber syndrome. Also called: GRUBER SYNDROME; Dysencephalia splachnocystica; DYSENCEPHALIA SPLANCHNOCYSTICA. Identifiers: Orphanet 564, MedGen C0265215, MONDO:0018921.

Allele frequency attached by ClinVar (database versions not stated): TOPMed 0.00002; gnomAD exomes 0.00006; ExAC 0.00010.
gnomAD v4.1: 26 of 1,598,598 alleles (0.0016%); highest among the groups gnomAD compares: Admixed American, 0.031%; 2 homozygotes.

Submissions (3):

Labcorp Genetics (formerly Invitae), Labcorp
Classification: Benign for Joubert syndrome; Meckel-Gruber syndrome. Last evaluated: 2025-09-15. Review status: criteria provided, single submitter. Criteria: Invitae Variant Classification Sherloc (09022015). Collection method: clinical testing. Allele origin: germline.

Fulgent Genetics
Classification: Likely benign for Joubert syndrome 7; Meckel syndrome, type 5; COACH syndrome 3. Last evaluated: 2021-07-24. Review status: criteria provided, single submitter. Criteria: ACMG Guidelines, 2015. Collection method: clinical testing. Allele origin: unknown.

PreventionGenetics, part of Exact Sciences
Classification: Likely benign for RPGRIP1L-related condition. Last evaluated: 2022-11-24. Review status: no assertion criteria provided. Collection method: clinical testing. Allele origin: germline. Not counted in ClinVar's aggregate classification.
Comment: This variant is classified as likely benign based on ACMG/AMP sequence variant interpretation guidelines (Richards et al. 2015 PMID: 25741868, with internal and published modifications).